The following is an entry in ClinVar:

ClinVar aggregate classification (germline): Uncertain significance (1 of 4 stars; one submission).

Submission:

GeneDx
Classification: Uncertain significance. Last evaluated: 2024-08-02. Review status: criteria provided, single submitter. Criteria: GeneDx Variant Classification Process June 2021. Collection method: clinical testing. Allele origin: germline. Affected: yes.
Comment: In-frame deletion of 2 amino acids in a non-repeat region; Not observed at significant frequency in large population cohorts (gnomAD); In silico analysis indicates that this variant does not alter protein structure/function; Has not been previously published as pathogenic or benign to our knowledge

NM_004606.5(TAF1):c.5198_5203del (p.Glu1733_Glu1734del)

Gene: TAF1 (TATA-box binding protein associated factor 1; plus strand). Cytogenetic location: Xq13.1.
Variant type: Deletion.
Coding change: c.5198_5203del on transcript NM_004606.5 (MANE Select); coding-DNA positions 5198 to 5203, 6 bases deleted (AAGAAG; older notation c.5198_5203delAAGAAG).
Protein change: p.Glu1733_Glu1734del.
Molecular consequence: non-coding transcript variant (on NR_104387.2).
Genome position (GRCh38, 1-based): chrX:71,459,685-71,459,690, AAGAAG deleted; deleting any 6 consecutive bases within chrX:71,459,684-71,459,690 gives the same sequence; the c. name uses the placement nearest the transcript's 3' end. VCF-style (leftmost placement, unchanged base first): chrX-71459683-TGAAGAA-T. GRCh37 (hg19) VCF-style: chrX-70679533-TGAAGAA-T.
Other names: c.5204_5209del, p.Glu1735_Glu1736del (NM_001286074.2); c.5135_5140del, p.Glu1712_Glu1713del (NM_138923.4).
Identifiers: ClinVar variation 3602488 (VCV003602488.1).